The following is an entry in ClinVar:

ClinVar aggregate classification (germline): Conflicting classifications of pathogenicity. Review status: criteria provided, conflicting classifications (1 of 4 stars). 4 submissions from 4 submitters: Uncertain significance (3); Likely benign (1). Last evaluated 2026-01-26.

Conditions:
Hereditary cancer-predisposing syndrome. Also called: Neoplastic Syndromes, Hereditary; Hereditary Cancer Syndrome; Hereditary neoplastic syndrome; Tumor predisposition. Identifiers: Orphanet 140162, MedGen C0027672, MeSH D009386, MONDO:0015356.
Hereditary breast ovarian cancer syndrome. Also called: Hereditary breast and ovarian cancer syndrome (HBOC); Hereditary breast and ovarian cancer syndrome; Breast and ovarian cancer; BRCA1- and BRCA2-Associated Hereditary Breast and Ovarian Cancer; Hereditary breast and ovarian cancer; Hereditary breast and/or ovarian cancer syndrome. Identifiers: Orphanet 145, MedGen C0677776, MeSH D061325, MONDO:0003582. Disease mechanism: loss of function.

Allele frequency attached by ClinVar (database versions not stated): gnomAD exomes below 0.00001.
gnomAD v4.1: 2 of 1,613,852 alleles (0.00012%); highest among the groups gnomAD compares: Non-Finnish European, 0.00017%; no homozygotes.

Submissions (4):

Labcorp Genetics (formerly Invitae), Labcorp
Classification: Uncertain significance for Hereditary breast ovarian cancer syndrome. Last evaluated: 2026-01-26. Review status: criteria provided, single submitter. Criteria: Invitae Variant Classification Sherloc (09022015). Collection method: clinical testing. Allele origin: germline.
Comment: This sequence change replaces leucine, which is neutral and non-polar, with valine, which is neutral and non-polar, at codon 2277 of the BRCA2 protein (p.Leu2277Val). This variant is not present in population databases (gnomAD no frequency). This variant has not been reported in the literature in individuals affected with BRCA2-related conditions. ClinVar contains an entry for this variant (Variation ID: 479357). Invitae Evidence Modeling of protein sequence and biophysical properties (such as structural, functional, and spatial information, amino acid conservation, physicochemical variation, residue mobility, and thermodynamic stability) indicates that this missense variant is not expected to disrupt BRCA2 protein function with a negative predictive value of 95%. In summary, the available evidence is currently insufficient to determine the role of this variant in disease. Therefore, it has been classified as a Variant of Uncertain Significance.

University of Washington Department of Laboratory Medicine, University of Washington
Classification: Likely benign for Hereditary cancer-predisposing syndrome. Last evaluated: 2023-03-23. Review status: criteria provided, single submitter. Criteria: Dines et al. (Genet Med. 2020). Collection method: curation. Allele origin: germline.
Comment: Missense variant in a coldspot region where missense variants are very unlikely to be pathogenic (PMID:31911673).

BRCA2 exon 11 coldspot. Reclassification based on statistical prior probability.

Ambry Genetics
Classification: Uncertain significance for Hereditary cancer-predisposing syndrome. Last evaluated: 2019-08-29. Review status: criteria provided, single submitter. Criteria: Ambry Variant Classification Scheme 2023. Collection method: clinical testing. Allele origin: germline.
Comment: The p.L2277V variant (also known as c.6829C>G), located in coding exon 10 of the BRCA2 gene, results from a C to G substitution at nucleotide position 6829. The leucine at codon 2277 is replaced by valine, an amino acid with highly similar properties. This amino acid position is not conserved and valine is a reference amino acid in several species. In addition, this alteration is predicted to be tolerated by in silico analysis. Since supporting evidence is limited at this time, the clinical significance of this alteration remains unclear.

Quest Diagnostics Nichols Institute San Juan Capistrano
Classification: Uncertain significance. Last evaluated: 2018-02-09. Review status: criteria provided, single submitter. Criteria: Quest Diagnostics criteria. Collection method: clinical testing. Allele origin: germline.

NM_000059.4(BRCA2):c.6829C>G (p.Leu2277Val)

Gene: BRCA2 (BRCA2 DNA repair associated; plus strand). Cytogenetic location: 13q13.1.
Variant type: single nucleotide variant.
Coding change: c.6829C>G on transcript NM_000059.4 (MANE Select); coding-DNA position 6829, C replaced by G.
Protein change: p.Leu2277Val; replaces leucine 2277 with valine.
Molecular consequence: missense variant.
Genome position (GRCh38, 1-based): chr13:32,341,184, C>G. VCF-style: chr13-32341184-C-G. GRCh37 (hg19) VCF-style: chr13-32915321-C-G.
Other names: short protein forms L2277V.
Identifiers: ClinVar variation 479357 (VCV000479357.10), dbSNP rs786202214, ClinGen allele CA387791471.
Genomic context (GRCh38, chr13:32,341,184, plus strand): 5'-CCCGAAAATGAGGAAATGGTTTTGTCAAATTCAAGAATTGGAAAAAGAAGAGGAGAGCCC[C>G]TTATCTTAGTGGGTAAGTGTTCATTTTTACCTTTCGTGTTGCCAATCACTATTTTTAAAG-3'
Protein context (NP_000050.3, residues 2267-2287): SRIGKRRGEP[Leu2277Val]ILVGEPSIKR